The following is an entry in ClinVar:

NM_000430.4(PAFAH1B1):c.1107C>A (p.Asn369Lys)

Gene: PAFAH1B1 (platelet activating factor acetylhydrolase 1b regulatory subunit 1; plus strand). Cytogenetic location: 17p13.3.
Variant type: single nucleotide variant.
Coding change: c.1107C>A on transcript NM_000430.4 (MANE Select); coding-DNA position 1107, C replaced by A.
Protein change: p.Asn369Lys; replaces asparagine 369 with lysine.
Molecular consequence: missense variant.
Genome position (GRCh38, 1-based): chr17:2,680,268, C>A. VCF-style: chr17-2680268-C-A. GRCh37 (hg19) VCF-style: chr17-2583562-C-A.
Other names: short protein forms N369K.
Identifiers: ClinVar variation 4999738 (VCV004999738.1).

ClinVar aggregate classification (germline): Uncertain significance (1 of 4 stars; one submission).

Conditions:
PAFAH1B1-related disorder. Also called: PAFAH1B1-related condition.

gnomAD v4.1: 1 of 1,614,086 alleles (0.000062%); highest among the groups gnomAD compares: Non-Finnish European, 0.000085%; no homozygotes.

Submission:

PreventionGenetics, part of Exact Sciences
Classification: Uncertain significance for PAFAH1B1-related condition. Last evaluated: 2025-06-15. Review status: criteria provided, single submitter. Criteria: ACMG Guidelines, 2015. Collection method: clinical testing. Allele origin: germline.
Comment: The PAFAH1B1 c.1107C>A variant is predicted to result in the amino acid substitution p.Asn369Lys. To our knowledge, this variant has not been reported in the literature. This variant is reported in 0.00088% of alleles in individuals of European (Non-Finnish) descent in gnomAD. At this time, the clinical significance of this variant is uncertain due to the absence of conclusive functional and genetic evidence.